The following is an entry in ClinVar:

ClinVar aggregate classification (germline): Likely benign. Review status: criteria provided, multiple submitters, no conflicts (2 of 4 stars). 3 submissions from 3 submitters: Likely benign (2). 1 of the submissions does not count toward it. Last evaluated 2025-09-26.

Conditions:
Cardiovascular phenotype. Identifiers: MedGen CN230736.
Hypercholesterolemia, autosomal dominant, type B (FHCL2). Also called: APOB-Related Familial Hypercholesterolemia, Autosomal Dominant; Hyperlipoproteinemia Type IIb; Familial Hypercholesterolemia Type B; APOLIPOPROTEIN B-100, FAMILIAL DEFECTIVE; APOLIPOPROTEIN B-100, FAMILIAL LIGAND-DEFECTIVE; Familial hypercholesterolemia 2. Identifiers: MedGen C1704417, MONDO:0007751, OMIM 144010.
Familial hypobetalipoproteinemia 1. Also called: APOB-Related Familial Hypobetalipoproteinemia; Hypobetalipoproteinemia, normotriglyceridemic; Acanthocytosis with hypobetalipoproteinemia. Identifiers: MedGen C4551990, MONDO:0014252, OMIM 615558.
APOB-related disorder. Also called: APOB-related disorders; APOB-related condition.

Allele frequency attached by ClinVar (database versions not stated): gnomAD exomes 0.00002 and 0.00003; TOPMed 0.00002; ExAC 0.00002.
gnomAD v4.1: 25 of 1,614,006 alleles (0.0015%); highest among the groups gnomAD compares: Middle Eastern, 0.017%; no homozygotes.

Submissions (3):

Labcorp Genetics (formerly Invitae), Labcorp
Classification: Likely benign for Familial hypobetalipoproteinemia 1; Hypercholesterolemia, autosomal dominant, type B. Last evaluated: 2025-09-26. Review status: criteria provided, single submitter. Criteria: Invitae Variant Classification Sherloc (09022015). Collection method: clinical testing. Allele origin: germline.

Ambry Genetics
Classification: Likely benign for Cardiovascular phenotype. Last evaluated: 2023-03-25. Review status: criteria provided, single submitter. Criteria: Ambry Variant Classification Scheme 2023. Collection method: clinical testing. Allele origin: germline.

PreventionGenetics, part of Exact Sciences
Classification: Likely benign for APOB-related condition. Last evaluated: 2020-12-21. Review status: no assertion criteria provided. Collection method: clinical testing. Allele origin: germline. Not counted in ClinVar's aggregate classification.
Comment: This variant is classified as likely benign based on ACMG/AMP sequence variant interpretation guidelines (Richards et al. 2015 PMID: 25741868, with internal and published modifications).

NM_000384.3(APOB):c.543C>T (p.Thr181=)

Gene: APOB (apolipoprotein B; minus strand). Cytogenetic location: 2p24.1.
Variant type: single nucleotide variant.
Coding change: c.543C>T on transcript NM_000384.3 (MANE Select); coding-DNA position 543, C replaced by T.
Protein change: p.Thr181=; no amino-acid change (threonine 181 retained).
Molecular consequence: synonymous variant.
Genome position (GRCh38, 1-based): chr2:21,037,250, G>A on the plus strand (C>T on the coding strand, the complement: APOB is on the minus strand). VCF-style: chr2-21037250-G-A. GRCh37 (hg19) VCF-style: chr2-21260122-G-A.
Identifiers: ClinVar variation 630361 (VCV000630361.8), dbSNP rs778023021, ClinGen allele CA062092.